The following is an entry in ClinVar:

NM_020975.6(RET):c.2335C>G (p.Leu779Val)

Gene: RET (ret proto-oncogene; plus strand). Cytogenetic location: 10q11.21.
Variant type: single nucleotide variant.
Coding change: c.2335C>G on transcript NM_020975.6 (MANE Select); coding-DNA position 2335, C replaced by G.
Protein change: p.Leu779Val; replaces leucine 779 with valine.
Molecular consequence: missense variant.
Genome position (GRCh38, 1-based): chr10:43,118,423, C>G. VCF-style: chr10-43118423-C-G. GRCh37 (hg19) VCF-style: chr10-43613871-C-G.
Other names: c.1309C>G, p.Leu437Val (NM_001406786.1, NM_001406783.1); c.1150C>G, p.Leu384Val (NM_001406790.1, NM_001406788.1, NM_001406789.1); c.1303C>G, p.Leu435Val (NM_001406787.1); c.1030C>G, p.Leu344Val (NM_001406791.1); c.886C>G, p.Leu296Val (NM_001406792.1, NM_001406793.1, NM_001406794.1); c.2335C>G, p.Leu779Val (NM_000323.2, NM_001406743.1, NM_001406744.1 and 4 more transcripts); c.1573C>G, p.Leu525Val (NM_001355216.2); c.2206C>G, p.Leu736Val (NM_001406761.1, NM_001406762.1, NM_001406764.1); and 10 more; short protein forms L384V, L537V, L734V, L344V, L440V, L449V, L525V, L683V.
Identifiers: ClinVar variation 1789766 (VCV001789766.2), dbSNP rs1838124161, ClinGen allele CA376555719.

ClinVar aggregate classification (germline): Uncertain significance (1 of 4 stars; one submission).

Conditions:
Hereditary cancer-predisposing syndrome. Also called: Hereditary Cancer Syndrome; Hereditary neoplastic syndrome; Tumor predisposition; Neoplastic Syndromes, Hereditary. Identifiers: Orphanet 140162, MedGen C0027672, MeSH D009386, MONDO:0015356.

Submission:

Ambry Genetics
Classification: Uncertain significance for Hereditary cancer-predisposing syndrome. Last evaluated: 2022-03-03. Review status: criteria provided, single submitter. Criteria: Ambry Variant Classification Scheme 2023. Collection method: clinical testing. Allele origin: germline.
Comment: The p.L779V variant (also known as c.2335C>G), located in coding exon 13 of the RET gene, results from a C to G substitution at nucleotide position 2335. The leucine at codon 779 is replaced by valine, an amino acid with highly similar properties. This amino acid position is conserved. In addition, this alteration is predicted to be deleterious by in silico analysis. Since supporting evidence is limited at this time, the clinical significance of this alteration remains unclear.